The following is an entry in ClinVar:

NM_003742.4(ABCB11):c.1814A>C (p.Gln605Pro)

Gene: ABCB11 (ATP binding cassette subfamily B member 11; minus strand). Cytogenetic location: 2q31.1.
Variant type: single nucleotide variant.
Coding change: c.1814A>C on transcript NM_003742.4 (MANE Select); coding-DNA position 1814, A replaced by C.
Protein change: p.Gln605Pro; replaces glutamine 605 with proline.
Molecular consequence: missense variant.
Genome position (GRCh38, 1-based): chr2:168,969,547, T>G on the plus strand (A>C on the coding strand, the complement: ABCB11 is on the minus strand). VCF-style: chr2-168969547-T-G. GRCh37 (hg19) VCF-style: chr2-169826057-T-G.
Other names: short protein forms Q605P.
Identifiers: ClinVar variation 3065641 (VCV003065641.2), dbSNP rs2105958395, ClinGen allele CA349112702.

ClinVar aggregate classification (germline): Uncertain significance. Review status: criteria provided, multiple submitters, no conflicts (2 of 4 stars). 2 submissions from 2 submitters: Uncertain significance (2). Last evaluated 2026-04-14.

Conditions:
Progressive familial intrahepatic cholestasis type 2. Identifiers: Orphanet 79304, MedGen C3489789, MONDO:0011156, OMIM 601847.
Familial intrahepatic cholestasis. Identifiers: Orphanet 284385, MedGen CN296401, MONDO:0017290.

Allele frequency attached by ClinVar (database versions not stated): gnomAD 0.00001; gnomAD exomes 0.00001.
gnomAD v4.1: 9 of 1,611,980 alleles (0.00056%); highest among the groups gnomAD compares: Middle Eastern, 0.017%; no homozygotes.

Submissions (2):

Genomenon, Inc
Classification: Uncertain significance for Familial intrahepatic cholestasis. Last evaluated: 2026-04-14. Review status: criteria provided, single submitter. Criteria: Genomenon Sequence Variant Interpretation Standards - Updated. Collection method: curation. Allele origin: germline. Affected: yes.
Comment: ABCB11 p.Gln605Pro (c.1814A>C) is a missense variant that changes the amino acid at residue 605 from Glutamine to Proline. This variant has been observed in at least one proband with an ABCB11-related disorder (PMID:32942997). It is absent or not present at a significant frequency in gnomAD. In conclusion, we classify ABCB11 p.Gln605Pro (c.1814A>C) as a variant of uncertain significance.

Genomic Medicine Center of Excellence, King Faisal Specialist Hospital and Research Centre
Classification: Uncertain significance for Progressive familial intrahepatic cholestasis type 2. Last evaluated: 2024-03-29. Review status: criteria provided, single submitter. Criteria: ACMG Guidelines, 2015. Collection method: clinical testing. Allele origin: germline.

Literature cited by the submitters: PubMed 32942997 (cited by Genomenon, Inc).